The following is an entry in ClinVar:

NM_201384.3(PLEC):c.5444G>A (p.Arg1815Gln)

Gene: PLEC (plectin; minus strand). Cytogenetic location: 8q24.3.
Variant type: single nucleotide variant.
Coding change: c.5444G>A on transcript NM_201384.3 (MANE Select); coding-DNA position 5444, G replaced by A.
Protein change: p.Arg1815Gln; replaces arginine 1815 with glutamine.
Molecular consequence: missense variant.
Genome position (GRCh38, 1-based): chr8:143,924,485, C>T on the plus strand (G>A on the coding strand, the complement: PLEC is on the minus strand). VCF-style: chr8-143924485-C-T. GRCh37 (hg19) VCF-style: chr8-144998653-C-T.
Other names: c.5525G>A, p.Arg1842Gln (NM_000445.5); c.5402G>A, p.Arg1801Gln (NM_201378.4); c.5378G>A, p.Arg1793Gln (NM_201379.3); c.5855G>A, p.Arg1952Gln (NM_201380.4); c.5348G>A, p.Arg1783Gln (NM_201381.3); c.5444G>A, p.Arg1815Gln (NM_201382.4); c.5456G>A, p.Arg1819Gln (NM_201383.3); short protein forms R1783Q, R1793Q, R1801Q, R1815Q, R1819Q, R1842Q, R1952Q.
Identifiers: ClinVar variation 502381 (VCV000502381.19), dbSNP rs782213742, ClinGen allele CA4926362.

ClinVar aggregate classification (germline): Conflicting classifications of pathogenicity. Review status: criteria provided, conflicting classifications (1 of 4 stars). 5 submissions from 5 submitters: Uncertain significance (4); Likely benign (1). Last evaluated 2026-01-26.

Conditions:
Autosomal recessive limb-girdle muscular dystrophy type 2Q (LGMDR17). Also called: MUSCULAR DYSTROPHY, LIMB-GIRDLE, AUTOSOMAL RECESSIVE 17. Identifiers: Orphanet 254361, MedGen C3150989, MONDO:0013390, OMIM 613723.
Epidermolysis bullosa simplex 5C, with pyloric atresia (EBS5C). Also called: Epidermolysis bullosa simplex with pyloric atresia; PLEC-Related Epidermolysis Bullosa with Pyloric Atresia; PLEC1-Related Epidermolysis Bullosa with Pyloric Atresia. Identifiers: Orphanet 158684, MedGen C2677349, MONDO:0012807, OMIM 612138.
Epidermolysis bullosa simplex 5B, with muscular dystrophy (EBS5B). Also called: EPIDERMOLYSIS BULLOSA SIMPLEX AND LIMB-GIRDLE MUSCULAR DYSTROPHY; Epidermolysis bullosa simplex with muscular dystrophy. Identifiers: Orphanet 257, MedGen C2931072, MONDO:0009181, OMIM 226670.
Epidermolysis bullosa simplex with nail dystrophy (EBS5D). Identifiers: MedGen C4225309, MONDO:0014661, OMIM 616487.
Epidermolysis bullosa simplex, Ogna type (EBS5A). Also called: Pidermolysis bullosa simplex 5A, Ogna type; EPIDERMOLYSIS BULLOSA SIMPLEX 5A, OGNA TYPE. Identifiers: Orphanet 79401, MedGen C0432317, MONDO:0007555, OMIM 131950.
Inborn genetic diseases. Identifiers: MedGen C0950123, MeSH D030342.

Allele frequency attached by ClinVar (database versions not stated): TOPMed 0.00003.
gnomAD v4.1: 105 of 1,543,536 alleles (0.0068%); highest among the groups gnomAD compares: Non-Finnish European, 0.0087%; no homozygotes.

Submissions (5):

Labcorp Genetics (formerly Invitae), Labcorp
Classification: Uncertain significance for Autosomal recessive limb-girdle muscular dystrophy type 2Q; Epidermolysis bullosa simplex, Ogna type; Epidermolysis bullosa simplex with nail dystrophy; Epidermolysis bullosa simplex 5C, with pyloric atresia; Epidermolysis bullosa simplex 5B, with muscular dystrophy. Last evaluated: 2026-01-26. Review status: criteria provided, single submitter. Criteria: Invitae Variant Classification Sherloc (09022015). Collection method: clinical testing. Allele origin: germline.
Comment: This sequence change replaces arginine, which is basic and polar, with glutamine, which is neutral and polar, at codon 1842 of the PLEC protein (p.Arg1842Gln). This variant is present in population databases (rs782213742, gnomAD 0.01%). This variant has not been reported in the literature in individuals affected with PLEC-related conditions. ClinVar contains an entry for this variant (Variation ID: 502381). Experimental studies and prediction algorithms are not available or were not evaluated, and the functional significance of this variant is currently unknown. In summary, the available evidence is currently insufficient to determine the role of this variant in disease. Therefore, it has been classified as a Variant of Uncertain Significance.

Ambry Genetics
Classification: Uncertain significance for Inborn genetic diseases. Last evaluated: 2024-02-27. Review status: criteria provided, single submitter. Criteria: Ambry Variant Classification Scheme 2023. Collection method: clinical testing. Allele origin: germline.

Revvity Omics, Revvity
Classification: Uncertain significance. Last evaluated: 2020-10-05. Review status: criteria provided, single submitter. Criteria: ACMG Guidelines, 2015. Collection method: clinical testing. Allele origin: germline.

GeneDx
Classification: Likely benign. Last evaluated: 2019-02-27. Review status: criteria provided, single submitter. Criteria: GeneDx Variant Classification Process June 2021. Collection method: clinical testing. Allele origin: germline. Affected: yes.

Eurofins Ntd Llc (ga)
Classification: Uncertain significance. Last evaluated: 2017-06-02. Review status: criteria provided, single submitter. Criteria: EGL Classification Definitions 2015. Collection method: clinical testing. Allele origin: germline. Observed: 1 variant allele, 1 heterozygote.